The following is an entry in ClinVar:

ClinVar aggregate classification (germline): Uncertain significance (1 of 4 stars; one submission).

Conditions:
Dilated cardiomyopathy 1JJ (CMD1JJ). Identifiers: Orphanet 154, MedGen C3808935, MONDO:0014095, OMIM 615235.

gnomAD v4.1: 1 of 1,613,926 alleles (0.000062%); highest among the groups gnomAD compares: Non-Finnish European, 0.000085%; no homozygotes.

Submission:

Labcorp Genetics (formerly Invitae), Labcorp
Classification: Uncertain significance for Dilated cardiomyopathy 1JJ. Last evaluated: 2025-07-18. Review status: criteria provided, single submitter. Criteria: Invitae Variant Classification Sherloc (09022015). Collection method: clinical testing. Allele origin: germline.
Comment: This sequence change replaces glutamic acid, which is acidic and polar, with aspartic acid, which is acidic and polar, at codon 1743 of the LAMA4 protein (p.Glu1743Asp). This variant is not present in population databases (gnomAD no frequency). This variant has not been reported in the literature in individuals affected with LAMA4-related conditions. An algorithm developed to predict the effect of missense changes on protein structure and function (PolyPhen-2) suggests that this variant is likely to be tolerated. In summary, the available evidence is currently insufficient to determine the role of this variant in disease. Therefore, it has been classified as a Variant of Uncertain Significance.

NM_001105206.3(LAMA4):c.5250A>C (p.Glu1750Asp)

Gene: LAMA4 (laminin subunit alpha 4; minus strand). Cytogenetic location: 6q21.
Variant type: single nucleotide variant.
Coding change: c.5250A>C on transcript NM_001105206.3 (MANE Select); coding-DNA position 5250, A replaced by C.
Protein change: p.Glu1750Asp; replaces glutamic acid 1750 with aspartic acid.
Molecular consequence: missense variant.
Genome position (GRCh38, 1-based): chr6:112,114,152, T>G on the plus strand (A>C on the coding strand, the complement: LAMA4 is on the minus strand). VCF-style: chr6-112114152-T-G. GRCh37 (hg19) VCF-style: chr6-112435355-T-G.
Other names: c.5229A>C, p.Glu1743Asp (NM_001105207.3, NM_002290.5); short protein forms E1743D, E1750D.
Identifiers: ClinVar variation 4808786 (VCV004808786.1).